The following is an entry in ClinVar:

ClinVar aggregate classification (germline): Uncertain significance (1 of 4 stars; one submission).

Conditions:
Granulomatous disease, chronic, X-linked. Also called: CYTOCHROME b-NEGATIVE GRANULOMATOUS DISEASE, CHRONIC, X-LINKED; GRANULOMATOUS DISEASE, CHRONIC, X-LINKED, SOMATIC MOSAIC. Identifiers: Orphanet 379, MedGen C1844376, MONDO:0010600, OMIM 306400.

Allele frequency attached by ClinVar (database versions not stated): TOPMed 0.00001.
gnomAD v4.1: 3 of 1,194,446 alleles (0.00025%); highest among the groups gnomAD compares: Non-Finnish European, 0.00034%; no homozygotes.

Submission:

Labcorp Genetics (formerly Invitae), Labcorp
Classification: Uncertain significance for Granulomatous disease, chronic, X-linked. Last evaluated: 2022-08-09. Review status: criteria provided, single submitter. Criteria: Invitae Variant Classification Sherloc (09022015). Collection method: clinical testing. Allele origin: germline.
Comment: This sequence change replaces alanine, which is neutral and non-polar, with threonine, which is neutral and polar, at codon 109 of the CYBB protein (p.Ala109Thr). This variant is present in population databases (no rsID available, gnomAD 0.001%). This variant has not been reported in the literature in individuals affected with CYBB-related conditions. Algorithms developed to predict the effect of missense changes on protein structure and function (SIFT, PolyPhen-2, Align-GVGD) all suggest that this variant is likely to be disruptive. In summary, the available evidence is currently insufficient to determine the role of this variant in disease. Therefore, it has been classified as a Variant of Uncertain Significance.

NM_000397.4(CYBB):c.325G>A (p.Ala109Thr)

Gene: CYBB (cytochrome b-245 beta chain; plus strand). Cytogenetic location: Xp21.1.
Variant type: single nucleotide variant.
Coding change: c.325G>A on transcript NM_000397.4 (MANE Select); coding-DNA position 325, G replaced by A.
Protein change: p.Ala109Thr; replaces alanine 109 with threonine.
Molecular consequence: missense variant.
Genome position (GRCh38, 1-based): chrX:37,792,047, G>A. VCF-style: chrX-37792047-G-A. GRCh37 (hg19) VCF-style: chrX-37651300-G-A.
Other names: short protein forms A109T.
Identifiers: ClinVar variation 2159039 (VCV002159039.1), dbSNP rs1556467120, ClinGen allele CA412974328.